The following is an entry in ClinVar:

ClinVar aggregate classification (germline): Pathogenic (1 of 4 stars; one submission).

Conditions:
CHD7 Disorder. Identifiers: MedGen CN381339.

Submission:

Illumina Laboratory Services, Illumina
Classification: Pathogenic for CHD7 disorder. Last evaluated: 2021-05-25. Review status: criteria provided, single submitter. Criteria: ICSLVariantClassificationCriteria RUGD 01 April 2020. Collection method: clinical testing. Allele origin: unknown.
Comment: The CHD7 c.4036C>T (p.Gln1346Ter) variant is a stop-gained variant that is predicted to cause a reduction in protein levels due to nonsense-mediated decay of the messenger RNA. This variant has been reported in the literature in the heterozygous state in at least two individuals with CHARGE syndrome, one of whom had acquired it as a de novo variant (Vuorela et al. 2007; Asakura et al. 2008). This variant is not found in version 2.1.1 or version 3.1.1 of the Genome Aggregation Database despite its location in a region of good sequencing coverage, which suggests the variant is rare. This variant was identified in a de novo state. Based on the available evidence, the p.Gln1346Ter variant is classified as pathogenic for CHD7 disorder.

Literature cited by the submitters: PubMed 18073582; PubMed 18089695.

NM_017780.4(CHD7):c.4036C>T (p.Gln1346Ter)

Gene: CHD7 (chromodomain helicase DNA binding protein 7; plus strand). Cytogenetic location: 8q12.2.
Variant type: single nucleotide variant.
Coding change: c.4036C>T on transcript NM_017780.4 (MANE Select); coding-DNA position 4036, C replaced by T.
Protein change: p.Gln1346Ter; replaces glutamine 1346 with a stop codon.
Molecular consequence: nonsense. On other transcripts: intron variant (1).
Genome position (GRCh38, 1-based): chr8:60,836,863, C>T. VCF-style: chr8-60836863-C-T. GRCh37 (hg19) VCF-style: chr8-61749422-C-T.
Other names: c.1717-25366C>T (NM_001316690.1); short protein forms Q1346*.
Identifiers: ClinVar variation 1328555 (VCV001328555.4), dbSNP rs2150777148, ClinGen allele CA371316662.
Genomic context (GRCh38, chr8:60,836,863, plus strand): 5'-CTGATGTTTTCTAGGTACCCATATGAAAGGATCGACGGCCGAGTAAGAGGCAACCTCCGC[C>T]AGGCAGCTATCGACAGATTCTCCAAACCTGATTCTGATAGGTTTGTTTTCCTCCTGTGTA-3'